The following is an entry in ClinVar:

ClinVar aggregate classification (germline): Uncertain significance (1 of 4 stars; one submission).

Conditions:
Inborn genetic diseases. Identifiers: MedGen C0950123, MeSH D030342.

Submission:

Ambry Genetics
Classification: Uncertain significance for Inborn genetic diseases. Last evaluated: 2025-07-16. Review status: criteria provided, single submitter. Criteria: Ambry Variant Classification Scheme 2023. Collection method: clinical testing. Allele origin: germline.
Comment: The p.C664R variant (also known as c.1990T>C), located in coding exon 1 of the SAMD9L gene, results from a T to C substitution at nucleotide position 1990. The cysteine at codon 664 is replaced by arginine, an amino acid with highly dissimilar properties. This amino acid position is conserved. In addition, this alteration is predicted to be deleterious by in silico analysis. Based on the available evidence, the clinical significance of this variant remains unclear.

NM_152703.5(SAMD9L):c.1990T>C (p.Cys664Arg)

Gene: SAMD9L (sterile alpha motif domain containing 9 like; minus strand). Cytogenetic location: 7q21.2.
Variant type: single nucleotide variant.
Coding change: c.1990T>C on transcript NM_152703.5 (MANE Select); coding-DNA position 1990, T replaced by C.
Protein change: p.Cys664Arg; replaces cysteine 664 with arginine.
Molecular consequence: missense variant.
Genome position (GRCh38, 1-based): chr7:93,133,982, A>G on the plus strand (T>C on the coding strand, the complement: SAMD9L is on the minus strand). VCF-style: chr7-93133982-A-G. GRCh37 (hg19) VCF-style: chr7-92763295-A-G.
Other names: c.1990T>C, p.Cys664Arg (NM_001303496.3, NM_001303497.3, NM_001303498.3 and 5 more transcripts); short protein forms C664R.
Identifiers: ClinVar variation 4159338 (VCV004159338.1).